The following is an entry in ClinVar:

ClinVar aggregate classification (germline): Uncertain significance (1 of 4 stars; one submission).

Allele frequency attached by ClinVar (database versions not stated): ExAC 0.00001; TOPMed 0.00001.
gnomAD v4.1: 2 of 1,614,164 alleles (0.00012%); highest among the groups gnomAD compares: Non-Finnish European, 0.00017%; no homozygotes.

Submission:

Labcorp Genetics (formerly Invitae), Labcorp
Classification: Uncertain significance. Last evaluated: 2022-08-10. Review status: criteria provided, single submitter. Criteria: Invitae Variant Classification Sherloc (09022015). Collection method: clinical testing. Allele origin: germline.
Comment: In summary, the available evidence is currently insufficient to determine the role of this variant in disease. Therefore, it has been classified as a Variant of Uncertain Significance. Algorithms developed to predict the effect of missense changes on protein structure and function are either unavailable or do not agree on the potential impact of this missense change (SIFT: "Deleterious"; PolyPhen-2: "Possibly Damaging"; Align-GVGD: "Class C0"). This variant has not been reported in the literature in individuals affected with ACTN1-related conditions. This variant is present in population databases (rs776405361, gnomAD 0.0009%). This sequence change replaces tyrosine, which is neutral and polar, with cysteine, which is neutral and slightly polar, at codon 378 of the ACTN1 protein (p.Tyr378Cys).

NM_001130004.2(ACTN1):c.1133A>G (p.Tyr378Cys)

Gene: ACTN1 (actinin alpha 1; minus strand). Cytogenetic location: 14q24.1.
Variant type: single nucleotide variant.
Coding change: c.1133A>G on transcript NM_001130004.2 (MANE Select); coding-DNA position 1133, A replaced by G.
Protein change: p.Tyr378Cys; replaces tyrosine 378 with cysteine.
Molecular consequence: missense variant.
Genome position (GRCh38, 1-based): chr14:68,890,240, T>C on the plus strand (A>G on the coding strand, the complement: ACTN1 is on the minus strand). VCF-style: chr14-68890240-T-C. GRCh37 (hg19) VCF-style: chr14-69356957-T-C.
Other names: c.1133A>G, p.Tyr378Cys (NM_001102.4, NM_001130005.2, NM_001411035.1); c.938A>G, p.Tyr313Cys (NM_001411036.1); short protein forms Y313C, Y378C.
Identifiers: ClinVar variation 2082478 (VCV002082478.4), dbSNP rs776405361, ClinGen allele CA7242456.